The following is an entry in ClinVar:

ClinVar aggregate classification (germline): Likely pathogenic. Review status: criteria provided, multiple submitters, no conflicts (2 of 4 stars). 2 submissions from 2 submitters: Likely pathogenic (2). Last evaluated 2023-04-10.

Conditions:
RGS9-related disorder. Also called: RGS9-related condition.

Allele frequency attached by ClinVar (database versions not stated): gnomAD exomes below 0.00001; ExAC 0.00001; TOPMed 0.00001; gnomAD 0.00002.
gnomAD v4.1: 5 of 1,613,702 alleles (0.00031%); highest among the groups gnomAD compares: African/African-American, 0.0013%; no homozygotes.

Submissions (2):

Labcorp Genetics (formerly Invitae), Labcorp
Classification: Likely pathogenic. Last evaluated: 2023-04-10. Review status: criteria provided, single submitter. Criteria: Invitae Variant Classification Sherloc (09022015). Collection method: clinical testing. Allele origin: germline.
Comment: In summary, the currently available evidence indicates that the variant is pathogenic, but additional data are needed to prove that conclusively. Therefore, this variant has been classified as Likely Pathogenic. Algorithms developed to predict the effect of sequence changes on RNA splicing suggest that this variant may disrupt the consensus splice site. ClinVar contains an entry for this variant (Variation ID: 1395390). This variant has not been reported in the literature in individuals affected with RGS9-related conditions. This variant is present in population databases (rs751259650, gnomAD 0.0009%). This sequence change affects a donor splice site in intron 9 of the RGS9 gene. It is expected to disrupt RNA splicing. Variants that disrupt the donor or acceptor splice site typically lead to a loss of protein function (PMID: 16199547), and loss-of-function variants in RGS9 are known to be pathogenic (PMID: 11262419, 14702087).

Blueprint Genetics
Classification: Likely pathogenic for RGS9-related disorders. Last evaluated: 2022-04-08. Review status: criteria provided, single submitter. Criteria: ACMG Guidelines, 2015. Collection method: clinical testing. Allele origin: germline. Affected: yes. Observed: 2 variant alleles.

Literature cited by the submitters: PubMed 16199547 (cited by Labcorp Genetics (formerly Invitae), Labcorp); PubMed 11262419 (cited by Labcorp Genetics (formerly Invitae), Labcorp); PubMed 14702087 (cited by Labcorp Genetics (formerly Invitae), Labcorp).

NM_003835.4(RGS9):c.654+2T>C

Gene: RGS9 (regulator of G protein signaling 9; plus strand). Cytogenetic location: 17q24.1.
Variant type: single nucleotide variant.
Coding change: c.654+2T>C on transcript NM_003835.4 (MANE Select); the canonical splice donor site of the intron after coding-DNA position 654, T replaced by C.
Molecular consequence: splice donor variant. On other transcripts: intron variant (2).
Genome position (GRCh38, 1-based): chr17:65,177,805, T>C. VCF-style: chr17-65177805-T-C. GRCh37 (hg19) VCF-style: chr17-63173923-T-C.
Other names: c.645+11T>C (NM_001081955.3, NM_001165933.2).
Identifiers: ClinVar variation 1395390 (VCV001395390.7), dbSNP rs751259650, ClinGen allele CA8717757.